The following is an entry in ClinVar:

ClinVar aggregate classification (germline): Uncertain significance (1 of 4 stars; one submission).

Submission:

GeneDx
Classification: Uncertain significance. Last evaluated: 2023-12-04. Review status: criteria provided, single submitter. Criteria: GeneDx Variant Classification Process June 2021. Collection method: clinical testing. Allele origin: germline. Affected: yes.
Comment: Frameshift variant predicted to result in protein truncation or nonsense mediated decay in a gene or region of a gene for which loss of function is not a well-established mechanism of disease; Has not been previously published as pathogenic or benign to our knowledge; Not observed at significant frequency in large population cohorts (gnomAD); Variants in candidate genes are classified as variants of uncertain significance in accordance with ACMG guidelines (PMID: 25741868)

NM_005998.5(CCT3):c.337del (p.Leu113fs)

Gene: CCT3 (chaperonin containing TCP1 subunit 3; minus strand). Cytogenetic location: 1q22.
Variant type: Deletion.
Coding change: c.337del on transcript NM_005998.5 (MANE Select); coding-DNA position 337, one base deleted (C; older notation c.337delC).
Protein change: p.Leu113fs; shifts the reading frame from leucine 113.
Molecular consequence: frameshift variant. On other transcripts: non-coding transcript variant (2).
Genome position (GRCh38, 1-based): chr1:156,325,057, G deleted on the plus strand (C on the coding strand, the reverse complement: CCT3 is on the minus strand); the first of 2 consecutive G bases (chr1:156,325,057-156,325,058); deleting either gives the same sequence. VCF-style (leftmost placement, unchanged base first): chr1-156325056-AG-A. GRCh37 (hg19) VCF-style: chr1-156294847-AG-A.
Other names: c.223del, p.Leu75fs (NM_001008800.3); short protein forms L113fs, L75fs.
Identifiers: ClinVar variation 3378103 (VCV003378103.1).